The following is an entry in ClinVar:

NM_001128148.3(TFRC):c.1552A>G (p.Thr518Ala)

Gene: TFRC (transferrin receptor; minus strand). Cytogenetic location: 3q29.
Variant type: single nucleotide variant.
Coding change: c.1552A>G on transcript NM_001128148.3 (MANE Select); coding-DNA position 1552, A replaced by G.
Protein change: p.Thr518Ala; replaces threonine 518 with alanine.
Molecular consequence: missense variant.
Genome position (GRCh38, 1-based): chr3:196,058,617, T>C on the plus strand (A>G on the coding strand, the complement: TFRC is on the minus strand). VCF-style: chr3-196058617-T-C. GRCh37 (hg19) VCF-style: chr3-195785488-T-C.
Other names: c.1309A>G, p.Thr437Ala (NM_001313965.2); c.706A>G, p.Thr236Ala (NM_001313966.2); c.1552A>G, p.Thr518Ala (NM_003234.4); short protein forms T236A, T437A, T518A.
Identifiers: ClinVar variation 1955895 (VCV001955895.5), dbSNP rs1257317965, ClinGen allele CA355566901.

ClinVar aggregate classification (germline): Uncertain significance (1 of 4 stars; one submission).

Allele frequency attached by ClinVar (database versions not stated): gnomAD 0.00001; gnomAD exomes 0.00001; TOPMed 0.00001.

Submission:

Labcorp Genetics (formerly Invitae), Labcorp
Classification: Uncertain significance. Last evaluated: 2023-07-23. Review status: criteria provided, single submitter. Criteria: Invitae Variant Classification Sherloc (09022015). Collection method: clinical testing. Allele origin: germline.
Comment: ClinVar contains an entry for this variant (Variation ID: 1955895). In summary, the available evidence is currently insufficient to determine the role of this variant in disease. Therefore, it has been classified as a Variant of Uncertain Significance. Advanced modeling of protein sequence and biophysical properties (such as structural, functional, and spatial information, amino acid conservation, physicochemical variation, residue mobility, and thermodynamic stability) performed at Invitae indicates that this missense variant is not expected to disrupt TFRC protein function. This variant has not been reported in the literature in individuals affected with TFRC-related conditions. This variant is not present in population databases (gnomAD no frequency). This sequence change replaces threonine, which is neutral and polar, with alanine, which is neutral and non-polar, at codon 518 of the TFRC protein (p.Thr518Ala).